The following is an entry in ClinVar:

ClinVar aggregate classification (germline): Likely pathogenic (1 of 4 stars; one submission).

Conditions:
Retinitis pigmentosa 11 (RP11). Identifiers: Orphanet 791, MedGen C1838601, MONDO:0010828, OMIM 600138.

Submission:

Ocular Genomics Institute, Massachusetts Eye and Ear
Classification: Likely pathogenic for Retinitis pigmentosa 11. Last evaluated: 2021-04-08. Review status: criteria provided, single submitter. Criteria: ACMG Guidelines, 2015. Collection method: research. Allele origin: germline. Affected: yes.
Comment: Through a review of available evidence we were able to apply the following criteria: PVS1, PM2. Based on this evidence we have classified this variant as Likely Pathogenic.

NM_015629.4(PRPF31):c.1276-2del

Gene: PRPF31 (pre-mRNA processing factor 31; plus strand). Cytogenetic location: 19q13.42.
Variant type: Deletion.
Coding change: c.1276-2del on transcript NM_015629.4 (MANE Select); the canonical splice acceptor site of the intron before coding-DNA position 1276, one base deleted (A; older notation c.1276-2delA).
Molecular consequence: splice acceptor variant.
Genome position (GRCh38, 1-based): chr19:54,129,270, A deleted. VCF-style (leftmost placement, unchanged base first): chr19-54129269-CA-C. GRCh37 (hg19) VCF-style: chr19-54632644-CA-C.
Identifiers: ClinVar variation 1065739 (VCV001065739.1), dbSNP rs2146450721, ClinGen allele CA2499225598.